The following is an entry in ClinVar:

ClinVar aggregate classification (germline): Uncertain significance. Review status: criteria provided, multiple submitters, no conflicts (2 of 4 stars). 2 submissions from 2 submitters: Uncertain significance (2). Last evaluated 2024-01-19.

Conditions:
Cardiovascular phenotype. Identifiers: MedGen CN230736.
RASopathy. Also called: rasopathies; Noonan spectrum disorder. Identifiers: Orphanet 536391, MedGen C5555857, MONDO:0021060.

Submissions (2):

Labcorp Genetics (formerly Invitae), Labcorp
Classification: Uncertain significance for RASopathy. Last evaluated: 2024-01-19. Review status: criteria provided, single submitter. Criteria: Invitae Variant Classification Sherloc (09022015). Collection method: clinical testing. Allele origin: germline.
Comment: This sequence change replaces asparagine, which is neutral and polar, with lysine, which is basic and polar, at codon 522 of the RAF1 protein (p.Asn522Lys). This variant is not present in population databases (gnomAD no frequency). This variant has not been reported in the literature in individuals affected with RAF1-related conditions. ClinVar contains an entry for this variant (Variation ID: 2626568). Advanced modeling of protein sequence and biophysical properties (such as structural, functional, and spatial information, amino acid conservation, physicochemical variation, residue mobility, and thermodynamic stability) performed at Invitae indicates that this missense variant is not expected to disrupt RAF1 protein function with a negative predictive value of 95%. In summary, the available evidence is currently insufficient to determine the role of this variant in disease. Therefore, it has been classified as a Variant of Uncertain Significance.

Ambry Genetics
Classification: Uncertain significance for Cardiovascular phenotype. Last evaluated: 2023-07-24. Review status: criteria provided, single submitter. Criteria: Ambry Variant Classification Scheme 2023. Collection method: clinical testing. Allele origin: germline.
Comment: The p.N522K variant (also known as c.1566C>G), located in coding exon 14 of the RAF1 gene, results from a C to G substitution at nucleotide position 1566. The asparagine at codon 522 is replaced by lysine, an amino acid with similar properties. This amino acid position is conserved. In addition, the in silico prediction for this alteration is inconclusive. Since supporting evidence is limited at this time, the clinical significance of this alteration remains unclear.

NM_002880.4(RAF1):c.1566C>G (p.Asn522Lys)

Gene: RAF1 (Raf-1 proto-oncogene, serine/threonine kinase; minus strand). Cytogenetic location: 3p25.2.
Variant type: single nucleotide variant.
Coding change: c.1566C>G on transcript NM_002880.4 (MANE Select); coding-DNA position 1566, C replaced by G.
Protein change: p.Asn522Lys; replaces asparagine 522 with lysine.
Molecular consequence: missense variant. On other transcripts: non-coding transcript variant (3).
Genome position (GRCh38, 1-based): chr3:12,585,224, G>C on the plus strand (C>G on the coding strand, the complement: RAF1 is on the minus strand). VCF-style: chr3-12585224-G-C. GRCh37 (hg19) VCF-style: chr3-12626723-G-C.
Other names: c.1626C>G, p.Asn542Lys (NM_001354689.3); c.1566C>G, p.Asn522Lys (NM_001354690.3); c.1323C>G, p.Asn441Lys (NM_001354691.3, NM_001354692.3); c.1467C>G, p.Asn489Lys (NM_001354693.3); c.1383C>G, p.Asn461Lys (NM_001354694.3); c.1224C>G, p.Asn408Lys (NM_001354695.3); short protein forms N408K, N441K, N461K, N522K, N542K, N489K.
Identifiers: ClinVar variation 2626568 (VCV002626568.5), dbSNP rs1575531593, ClinGen allele CA351497857.
Genomic context (GRCh38, chr3:12,585,224, plus strand): 5'-CATCAGTTCATACAATACGATGCCATAGGAGTAGACATCCGACTGGAAACTGAATGGGTT[G>C]TTATCCTGCATTCGGATCACCTCTGGGGCCTACATGTATCACCATATGACAAAAGTGCAT-3'
Protein context (NP_002871.1, residues 512-532): MAPEVIRMQD[Asn522Lys]NPFSFQSDVY